The following is an entry in ClinVar:

ClinVar aggregate classification (germline): Benign (1 of 4 stars; one submission).

Conditions:
Miller syndrome (POADS). Also called: GENEE-WIEDEMANN SYNDROME; Genee-Wiedemann acrofacial dysostosis. Identifiers: Orphanet 246, MedGen C0265257, MONDO:0009903, OMIM 263750.

Allele frequency attached by ClinVar (database versions not stated): gnomAD exomes 0.00151; 1000 Genomes Project 0.03954; gnomAD 0.04021 and 0.04342; 1000 Genomes Project 30x 0.04341; TOPMed 0.04491.

Submission:

Illumina Laboratory Services, Illumina
Classification: Benign for Miller syndrome. Last evaluated: 2018-01-13. Review status: criteria provided, single submitter. Criteria: ICSL Variant Classification Criteria 13 December 2019. Collection method: clinical testing. Allele origin: germline.
Comment: This variant was observed in the ICSL laboratory as part of a predisposition screen in an ostensibly healthy population. It had not been previously curated by ICSL or reported in the Human Gene Mutation Database (HGMD: prior to June 1st, 2018), and was therefore a candidate for classification through an automated scoring system. Utilizing variant allele frequency, disease prevalence and penetrance estimates, and inheritance mode, an automated score was calculated to assess if this variant is too frequent to cause the disease. Based on the score and internal cut-off values, a variant classified as benign is not then subjected to further curation. The score for this variant resulted in a classification of benign for this disease.

NM_001361.5(DHODH):c.*612T>C

Gene: DHODH (dihydroorotate dehydrogenase (quinone); plus strand). Cytogenetic location: 16q22.2.
Variant type: single nucleotide variant.
Coding change: c.*612T>C on transcript NM_001361.5 (MANE Select); 612 bases downstream of the stop codon, T replaced by C.
Molecular consequence: 3 prime UTR variant.
Genome position (GRCh38, 1-based): chr16:72,024,811, T>C. VCF-style: chr16-72024811-T-C. GRCh37 (hg19) VCF-style: chr16-72058710-T-C.
Identifiers: ClinVar variation 320451 (VCV000320451.5), dbSNP rs7191724, ClinGen allele CA10648910.